The following is an entry in ClinVar:

ClinVar aggregate classification (germline): Conflicting classifications of pathogenicity. Review status: criteria provided, conflicting classifications (1 of 4 stars). 2 submissions from 2 submitters: Uncertain significance (1); Likely benign (1). Last evaluated 2026-02-11.

Conditions:
Landau-Kleffner syndrome (FESD). Also called: APHASIA, ACQUIRED, WITH EPILEPSY; EPILEPSY, FOCAL, WITH SPEECH DISORDER AND WITH OR WITHOUT MENTAL RETARDATION. Identifiers: Orphanet 1945, Orphanet 725, Orphanet 98818, MedGen C0282512, MONDO:0009509, OMIM 245570.

Submissions (2):

Centre for Medical Genetics,  Mumbai
Classification: Likely benign for Landau-Kleffner syndrome. Last evaluated: 2026-02-11. Review status: criteria provided, single submitter. Criteria: ACMG Guidelines, 2015. Collection method: provider interpretation. Allele origin: germline. Inheritance: Autosomal dominant inheritance. Affected: no. Observed: 1 heterozygote.
Comment: The variant satisfies PM2 criteria; Extremely low frequency in gnomAD population databases. The variant satisfies PM1 criteria; Non-truncating non-synonymous variant is located in a mutational hot spot and/or critical and well-established functional domain. The variant satisfies BP4 criteria; For a missense or a splice region variant, computational prediction tools unanimously support a benign effect on the gene. However, the variant satisfies BS2 criteria; present in heterozygous state in an individual that clinically does not have Epilepsy, focal, with speech disorder and with or without impaired intellectual development (Landau-kleffner Syndrome).

Labcorp Genetics (formerly Invitae), Labcorp
Classification: Uncertain significance for Landau-Kleffner syndrome. Last evaluated: 2020-06-19. Review status: criteria provided, single submitter. Criteria: Invitae Variant Classification Sherloc (09022015). Collection method: clinical testing. Allele origin: germline.
Comment: In summary, the available evidence is currently insufficient to determine the role of this variant in disease. Therefore, it has been classified as a Variant of Uncertain Significance. This sequence change replaces glutamine with lysine at codon 774 of the GRIN2A protein (p.Gln774Lys). The glutamine residue is moderately conserved and there is a small physicochemical difference between glutamine and lysine. Algorithms developed to predict the effect of missense changes on protein structure and function (SIFT, PolyPhen-2, Align-GVGD) all suggest that this variant is likely to be tolerated, but these predictions have not been confirmed by published functional studies and their clinical significance is uncertain. This variant has not been reported in the literature in individuals with GRIN2A-related conditions. This variant is not present in population databases (ExAC no frequency).

Literature cited by the submitters: PubMed 20890276 (cited by Centre for Medical Genetics,  Mumbai).

NM_001134407.3(GRIN2A):c.2320C>A (p.Gln774Lys)

Gene: GRIN2A (glutamate ionotropic receptor NMDA type subunit 2A; minus strand). Cytogenetic location: 16p13.2.
Variant type: single nucleotide variant.
Coding change: c.2320C>A on transcript NM_001134407.3 (MANE Select); coding-DNA position 2320, C replaced by A.
Protein change: p.Gln774Lys; replaces glutamine 774 with lysine.
Molecular consequence: missense variant.
Genome position (GRCh38, 1-based): chr16:9,798,313, G>T on the plus strand (C>A on the coding strand, the complement: GRIN2A is on the minus strand). VCF-style: chr16-9798313-G-T. GRCh37 (hg19) VCF-style: chr16-9892170-G-T.
Other names: c.2320C>A, p.Gln774Lys (NM_000833.5, NM_001134408.2); short protein forms Q774K.
Identifiers: ClinVar variation 1062824 (VCV001062824.9), dbSNP rs1555488093, ClinGen allele CA394797011.